The following is an entry in ClinVar:

NM_199242.3(UNC13D):c.2954+431_2954+432del

Gene: UNC13D (unc-13 homolog D; minus strand). Cytogenetic location: 17q25.1.
Variant type: Deletion.
Coding change: c.2954+431_2954+432del on transcript NM_199242.3 (MANE Select); bases 431 to 432 of the intron after coding-DNA position 2954, 2 bases deleted (AA; older notation c.2954+431_2954+432delAA).
Molecular consequence: intron variant.
Genome position (GRCh38, 1-based): chr17:75,829,596-75,829,597, TT deleted on the plus strand (AA on the coding strand, the reverse complement: UNC13D is on the minus strand); deleting any 2 consecutive bases within chr17:75,829,596-75,829,616 gives the same sequence; the c. name uses the placement nearest the transcript's 3' end. VCF-style (leftmost placement, unchanged base first): chr17-75829595-CTT-C. GRCh37 (hg19) VCF-style: chr17-73825676-CTT-C.
Identifiers: ClinVar variation 3037254 (VCV003037254.2), dbSNP rs140737868, ClinGen allele CA294084406.
Genomic context (GRCh38, chr17:75,829,595, plus strand): 5'-CGCCCGCCTTGGCCTCCCAAAGTGCTGAGATTACAGGCATGAGCCACCACGCCTGGCCCT[CTT>C]TTTTTTTTTTTTTTTTTTTGAGATGGAGTCTCACTCTGTCGCCCAGGCTGGAGTGCAGTG-3'

ClinVar aggregate classification (germline): Likely benign (0 of 4 stars; one submission).

Conditions:
UNC13D-related disorder. Also called: UNC13D-related condition.

Submission:

PreventionGenetics, part of Exact Sciences
Classification: Likely benign for UNC13D-related condition. Last evaluated: 2023-04-27. Review status: no assertion criteria provided. Collection method: clinical testing. Allele origin: germline.
Comment: This variant is classified as likely benign based on ACMG/AMP sequence variant interpretation guidelines (Richards et al. 2015 PMID: 25741868, with internal and published modifications).